The following is an entry in ClinVar:

NM_001256545.2(MEGF10):c.721C>T (p.Gln241Ter)

Gene: MEGF10 (multiple EGF like domains 10; plus strand). Cytogenetic location: 5q23.2.
Variant type: single nucleotide variant.
Coding change: c.721C>T on transcript NM_001256545.2 (MANE Select); coding-DNA position 721, C replaced by T.
Protein change: p.Gln241Ter; replaces glutamine 241 with a stop codon.
Molecular consequence: nonsense.
Genome position (GRCh38, 1-based): chr5:127,398,737, C>T. VCF-style: chr5-127398737-C-T. GRCh37 (hg19) VCF-style: chr5-126734429-C-T.
Other names: c.721C>T, p.Gln241Ter (NM_001308119.2, NM_001308121.2, NM_032446.3); short protein forms Q241*.
Identifiers: ClinVar variation 2860403 (VCV002860403.3), dbSNP rs2479636665, ClinGen allele CA360720794.

ClinVar aggregate classification (germline): Pathogenic (1 of 4 stars; one submission).

Conditions:
MEGF10-related myopathy (CMYO10A). Also called: Congenital myopathy 10A, severe variant. Identifiers: Orphanet 439212, MedGen C3280679, MONDO:0013731, OMIM 614399.

Submission:

Labcorp Genetics (formerly Invitae), Labcorp
Classification: Pathogenic for MEGF10-related myopathy. Last evaluated: 2023-04-28. Review status: criteria provided, single submitter. Criteria: Invitae Variant Classification Sherloc (09022015). Collection method: clinical testing. Allele origin: germline.
Comment: This sequence change creates a premature translational stop signal (p.Gln241*) in the MEGF10 gene. It is expected to result in an absent or disrupted protein product. Loss-of-function variants in MEGF10 are known to be pathogenic (PMID: 22101682, 22371254, 23453856, 23954233). For these reasons, this variant has been classified as Pathogenic. This variant has not been reported in the literature in individuals affected with MEGF10-related conditions. This variant is not present in population databases (gnomAD no frequency).

Literature cited by the submitters: PubMed 22101682; PubMed 22371254; PubMed 23453856; PubMed 23954233.